The following is an entry in ClinVar:

NM_016026.4(RDH11):c.290G>A (p.Arg97Gln)

Genes: GPHN (gephyrin; plus strand), RDH11 (retinol dehydrogenase 11; minus strand). Cytogenetic location: 14q24.1.
Variant type: single nucleotide variant.
Coding change: c.290G>A on transcript NM_016026.4 (MANE Select); coding-DNA position 290, G replaced by A.
Protein change: p.Arg97Gln; replaces arginine 97 with glutamine.
Molecular consequence: missense variant.
Genome position (GRCh38, 1-based): chr14:67,692,497, C>T on the plus strand (G>A on the coding strand, the complement: RDH11 is on the minus strand). VCF-style: chr14-67692497-C-T. GRCh37 (hg19) VCF-style: chr14-68159214-C-T.
Other names: c.290G>A (NM_016026.3); c.290G>A, p.Arg97Gln (NM_001252650.2); short protein forms R97Q.
Identifiers: ClinVar variation 1518554 (VCV001518554.7), dbSNP rs563954790, ClinGen allele CA7238443.

ClinVar aggregate classification (germline): Uncertain significance. Review status: criteria provided, multiple submitters, no conflicts (2 of 4 stars). 3 submissions from 3 submitters: Uncertain significance (3). Last evaluated 2024-10-15.

Allele frequency attached by ClinVar (database versions not stated): gnomAD 0.00001 and 0.00002; ExAC 0.00003; gnomAD exomes 0.00003 and 0.00004; TOPMed 0.00003; 1000 Genomes Project 0.00020; 1000 Genomes Project 30x 0.00031.
gnomAD v4.1: 55 of 1,613,998 alleles (0.0034%); highest among the groups gnomAD compares: Middle Eastern, 0.016%; no homozygotes.

Submissions (3):

Blueprint Genetics
Classification: Uncertain significance. Last evaluated: 2024-10-15. Review status: criteria provided, single submitter. Criteria: ACMG Guidelines, 2015. Collection method: clinical testing. Allele origin: germline.

Ambry Genetics
Classification: Uncertain significance. Last evaluated: 2024-06-25. Review status: criteria provided, single submitter. Criteria: Ambry Variant Classification Scheme 2023. Collection method: clinical testing. Allele origin: germline.

Labcorp Genetics (formerly Invitae), Labcorp
Classification: Uncertain significance. Last evaluated: 2021-08-26. Review status: criteria provided, single submitter. Criteria: Invitae Variant Classification Sherloc (09022015). Collection method: clinical testing. Allele origin: germline.
Comment: This sequence change replaces arginine with glutamine at codon 97 of the RDH11 protein (p.Arg97Gln). The arginine residue is moderately conserved and there is a small physicochemical difference between arginine and glutamine. This variant is present in population databases (rs563954790, ExAC 0.01%). This variant has not been reported in the literature in individuals affected with RDH11-related conditions. Algorithms developed to predict the effect of missense changes on protein structure and function are either unavailable or do not agree on the potential impact of this missense change (SIFT: "Tolerated"; PolyPhen-2: "Possibly Damaging"; Align-GVGD: "Class C0"). Algorithms developed to predict the effect of sequence changes on RNA splicing suggest that this variant may create or strengthen a splice site. In summary, the available evidence is currently insufficient to determine the role of this variant in disease. Therefore, it has been classified as a Variant of Uncertain Significance.